The following is an entry in ClinVar:

ClinVar aggregate classification (germline): Uncertain significance (1 of 4 stars; one submission).

Conditions:
Hereditary cancer-predisposing syndrome. Also called: Tumor predisposition; Neoplastic Syndromes, Hereditary; Hereditary neoplastic syndrome; Hereditary Cancer Syndrome. Identifiers: Orphanet 140162, MedGen C0027672, MeSH D009386, MONDO:0015356.

Submission:

Ambry Genetics
Classification: Uncertain significance for Hereditary cancer-predisposing syndrome. Last evaluated: 2024-08-19. Review status: criteria provided, single submitter. Criteria: Ambry Variant Classification Scheme 2023. Collection method: clinical testing. Allele origin: germline.
Comment: The c.653_657delATGTG variant, located in coding exon 3 of the XRCC2 gene, results from a deletion of 5 nucleotides at nucleotide positions 653 to 657, causing a translational frameshift with a predicted alternate stop codon (p.D218Gfs*10). This alteration occurs at the 3' terminus of theXRCC2 gene, is not expected to trigger nonsense-mediated mRNAdecay, and only impacts the last 22% of the protein. The exact functional effect of this alteration is unknown. Based on the available evidence, the clinical significance of this variant remains unclear.

NM_005431.2(XRCC2):c.653_657del (p.Asp218fs)

Gene: XRCC2 (X-ray repair cross complementing 2; minus strand). Cytogenetic location: 7q36.1.
Variant type: Deletion.
Coding change: c.653_657del on transcript NM_005431.2 (MANE Select); coding-DNA positions 653 to 657, 5 bases deleted (ATGTG; older notation c.653_657delATGTG).
Protein change: p.Asp218fs; shifts the reading frame from aspartic acid 218.
Molecular consequence: frameshift variant.
Genome position (GRCh38, 1-based): chr7:152,648,828-152,648,832, CACAT deleted on the plus strand (ATGTG on the coding strand, the reverse complement: XRCC2 is on the minus strand); deleting any 5 consecutive bases within chr7:152,648,828-152,648,836 gives the same sequence; the c. name uses the placement nearest the transcript's 3' end. VCF-style (leftmost placement, unchanged base first): chr7-152648827-CCACAT-C. GRCh37 (hg19) VCF-style: chr7-152345912-CCACAT-C.
Other names: short protein forms D218fs.
Identifiers: ClinVar variation 3471462 (VCV003471462.1).